The following is an entry in ClinVar:

ClinVar aggregate classification (germline): Likely benign (1 of 4 stars; one submission).

Conditions:
SMARCD2-related disorder. Also called: SMARCD2-related condition.

Submission:

PreventionGenetics, part of Exact Sciences
Classification: Likely benign for SMARCD2-related condition. Last evaluated: 2025-08-13. Review status: criteria provided, single submitter. Criteria: ACMG Guidelines, 2015. Collection method: clinical testing. Allele origin: germline.
Comment: This variant is classified as likely benign based on ACMG/AMP sequence variant interpretation guidelines (Richards et al. 2015 PMID: 25741868, with internal and published modifications).

NM_001098426.2(SMARCD2):c.*8G>A

Gene: SMARCD2 (SWI/SNF related BAF chromatin remodeling complex subunit D2; minus strand). Cytogenetic location: 17q23.3.
Variant type: single nucleotide variant.
Coding change: c.*8G>A on transcript NM_001098426.2 (MANE Select); 8 bases downstream of the stop codon, G replaced by A.
Molecular consequence: 3 prime UTR variant.
Genome position (GRCh38, 1-based): chr17:63,832,930, C>T on the plus strand (G>A on the coding strand, the complement: SMARCD2 is on the minus strand). VCF-style: chr17-63832930-C-T. GRCh37 (hg19) VCF-style: chr17-61910290-C-T.
Other names: c.*8G>A (NM_001330439.1, NM_001330440.2).
Identifiers: ClinVar variation 4981237 (VCV004981237.1).
Genomic context (GRCh38, chr17:63,832,930, plus strand): 5'-CCCCAGCAAGGACCCAGAGGGTGGTCTCCCTCCAGGCTCCAGGGCTGGGAAGAAAGATCC[C>T]TGAGCAGTTAGGTCAGGCGAATTCCCAGCACCTGTTCCAGTTCCTGCCTTCGCTGCTGCA-3'